The following is an entry in ClinVar:

ClinVar aggregate classification (germline): Uncertain significance (1 of 4 stars; one submission).

Conditions:
Mitochondrial DNA depletion syndrome 9 (MTDPS9). Also called: SUCLG1-Related Mitochondrial DNA Depletion Syndrome, Encephalomyopathic Form with Methylmalonic Aciduria. Identifiers: Orphanet 17, MedGen C3151476, MONDO:0009504, OMIM 245400.

Submission:

Labcorp Genetics (formerly Invitae), Labcorp
Classification: Uncertain significance for Mitochondrial DNA depletion syndrome 9. Last evaluated: 2021-10-28. Review status: criteria provided, single submitter. Criteria: Invitae Variant Classification Sherloc (09022015). Collection method: clinical testing. Allele origin: germline.
Comment: In summary, the available evidence is currently insufficient to determine the role of this variant in disease. Therefore, it has been classified as a Variant of Uncertain Significance. Algorithms developed to predict the effect of missense changes on protein structure and function (SIFT, PolyPhen-2, Align-GVGD) all suggest that this variant is likely to be disruptive. This variant has not been reported in the literature in individuals affected with SUCLG1-related conditions. This variant is not present in population databases (gnomAD no frequency). This sequence change replaces valine, which is neutral and non-polar, with glycine, which is neutral and non-polar, at codon 155 of the SUCLG1 protein (p.Val155Gly).

NM_003849.4(SUCLG1):c.464T>G (p.Val155Gly)

Gene: SUCLG1 (succinate-CoA ligase GDP/ADP-forming subunit alpha; minus strand). Cytogenetic location: 2p11.2.
Variant type: single nucleotide variant.
Coding change: c.464T>G on transcript NM_003849.4 (MANE Select); coding-DNA position 464, T replaced by G.
Protein change: p.Val155Gly; replaces valine 155 with glycine.
Molecular consequence: missense variant.
Genome position (GRCh38, 1-based): chr2:84,441,314, A>C on the plus strand (T>G on the coding strand, the complement: SUCLG1 is on the minus strand). VCF-style: chr2-84441314-A-C. GRCh37 (hg19) VCF-style: chr2-84668438-A-C.
Other names: short protein forms V155G.
Identifiers: ClinVar variation 1469699 (VCV001469699.6), dbSNP rs1182784202, ClinGen allele CA347515686.
Genomic context (GRCh38, chr2:84,441,314, plus strand): 5'-ACTCCAGGGCAGTTGGGCCCAATTAGCCTTGTCTTTTCCTGGCGCAGCAGTTTGTGCTTG[A>C]CTCGTACCATGTCCTGCTGGGGAATTCCTTCAGTGATACACACAACCAAGGGAATTTCTG-3'
Protein context (NP_003840.2, residues 145-165): EGIPQQDMVR[Val155Gly]KHKLLRQEKT